The following is an entry in ClinVar:

NM_004260.4(RECQL4):c.1860C>A (p.Cys620Ter)

Gene: RECQL4 (RecQ like helicase 4; minus strand). Cytogenetic location: 8q24.3.
Variant type: single nucleotide variant.
Coding change: c.1860C>A on transcript NM_004260.4 (MANE Select); coding-DNA position 1860, C replaced by A.
Protein change: p.Cys620Ter; replaces cysteine 620 with a stop codon.
Molecular consequence: nonsense.
Genome position (GRCh38, 1-based): chr8:144,514,207, G>T on the plus strand (C>A on the coding strand, the complement: RECQL4 is on the minus strand). VCF-style: chr8-144514207-G-T. GRCh37 (hg19) VCF-style: chr8-145739591-G-T.
Other names: short protein forms C620*.
Identifiers: ClinVar variation 945103 (VCV000945103.6), dbSNP rs1827815076, ClinGen allele CA372680612.

ClinVar aggregate classification (germline): Pathogenic (1 of 4 stars; one submission).

Conditions:
Baller-Gerold syndrome (BGS). Also called: CRANIOSYNOSTOSIS WITH RADIAL DEFECTS. Identifiers: Orphanet 1225, MedGen C0265308, MONDO:0009039, OMIM 218600.

Submission:

Labcorp Genetics (formerly Invitae), Labcorp
Classification: Pathogenic for Baller-Gerold syndrome. Last evaluated: 2019-05-07. Review status: criteria provided, single submitter. Criteria: Invitae Variant Classification Sherloc (09022015). Collection method: clinical testing. Allele origin: germline.
Comment: For these reasons, this variant has been classified as Pathogenic. Loss-of-function variants in RECQL4 are known to be pathogenic (PMID: 12734318, 12952869). This variant has not been reported in the literature in individuals with RECQL4-related conditions. This variant is not present in population databases (ExAC no frequency). This sequence change creates a premature translational stop signal (p.Cys620*) in the RECQL4 gene. It is expected to result in an absent or disrupted protein product.

Literature cited by the submitters: PubMed 12734318; PubMed 12952869.